The following is an entry in ClinVar:

NM_152703.5(SAMD9L):c.2699A>T (p.Tyr900Phe)

Gene: SAMD9L (sterile alpha motif domain containing 9 like; minus strand). Cytogenetic location: 7q21.2.
Variant type: single nucleotide variant.
Coding change: c.2699A>T on transcript NM_152703.5 (MANE Select); coding-DNA position 2699, A replaced by T.
Protein change: p.Tyr900Phe; replaces tyrosine 900 with phenylalanine.
Molecular consequence: missense variant.
Genome position (GRCh38, 1-based): chr7:93,133,273, T>A on the plus strand (A>T on the coding strand, the complement: SAMD9L is on the minus strand). VCF-style: chr7-93133273-T-A. GRCh37 (hg19) VCF-style: chr7-92762586-T-A.
Other names: c.2699A>T, p.Tyr900Phe (NM_001303500.3, NM_001350082.2, NM_001350083.2 and 5 more transcripts); short protein forms Y900F.
Identifiers: ClinVar variation 5028949 (VCV005028949.1).

ClinVar aggregate classification (germline): Uncertain significance (1 of 4 stars; one submission).

Conditions:
Inborn genetic diseases. Identifiers: MedGen C0950123, MeSH D030342.

Submission:

Ambry Genetics
Classification: Uncertain significance for Inborn genetic diseases. Last evaluated: 2026-08-13. Review status: criteria provided, single submitter. Criteria: Ambry Variant Classification Scheme 2023. Collection method: clinical testing. Allele origin: germline.
Comment: The p.Y900F variant (also known as c.2699A>T), located in coding exon 1 of the SAMD9L gene, results from an A to T substitution at nucleotide position 2699. The tyrosine at codon 900 is replaced by phenylalanine, an amino acid with highly similar properties. This amino acid position is conserved. In addition, this alteration is predicted to be tolerated by in silico analysis. Based on the available evidence, the clinical significance of this variant remains unclear.